The following is an entry in ClinVar:

ClinVar aggregate classification (germline): Pathogenic (1 of 4 stars; one submission).

Conditions:
Dyskeratosis congenita, autosomal recessive 5 (DKCB5). Identifiers: MedGen C3554656, MONDO:0014076, OMIM 615190.
Pulmonary fibrosis and/or bone marrow failure, Telomere-related, 3. Also called: PULMONARY FIBROSIS AND/OR BONE MARROW FAILURE SYNDROME, TELOMERE-RELATED, 3. Identifiers: Orphanet 2032, MedGen C4225346, MONDO:0014613, OMIM 616373.

Submission:

Labcorp Genetics (formerly Invitae), Labcorp
Classification: Pathogenic for Dyskeratosis congenita, autosomal recessive 5; Pulmonary fibrosis and/or bone marrow failure, Telomere-related, 3. Last evaluated: 2023-03-26. Review status: criteria provided, single submitter. Criteria: Invitae Variant Classification Sherloc (09022015). Collection method: clinical testing. Allele origin: unknown.
Comment: For these reasons, this variant has been classified as Pathogenic. This variant has not been reported in the literature in individuals affected with RTEL1-related conditions. This variant is a gross deletion of the genomic region encompassing exon(s) 9-10 of the RTEL1 gene. This deletion is out-of-frame, and is expected to create a premature termination codon and result in an absent or disrupted protein product. Loss-of-function variants in RTEL1 are known to be pathogenic (PMID: 23453664, 23959892, 25607374).

Literature cited by the submitters: PubMed 23453664; PubMed 23959892; PubMed 25607374.

NC_000020.10:g.(?_62303889)_(62305466_?)del

Gene: RTEL1 (regulator of telomere elongation helicase 1; plus strand). Cytogenetic location: 20q13.33.
Variant type: Deletion.
Identifiers: ClinVar variation 3248302 (VCV003248302.1).